The following is an entry in ClinVar:

ClinVar aggregate classification (germline): Pathogenic (1 of 4 stars; one submission).

Conditions:
Developmental and epileptic encephalopathy, 2 (DEE2). Also called: INFANTILE SPASM SYNDROME, X-LINKED 2; CDKL5 deficiency disorder. Identifiers: Orphanet 1934, Orphanet 3451, Orphanet 505652, MedGen C4750718, MONDO:0010396, OMIM 300672.
Angelman syndrome-like. Identifiers: MedGen CN128785.

Submission:

Labcorp Genetics (formerly Invitae), Labcorp
Classification: Pathogenic for Developmental and epileptic encephalopathy, 2; Angelman syndrome-like. Last evaluated: 2017-11-05. Review status: criteria provided, single submitter. Criteria: Invitae Variant Classification Sherloc (09022015). Collection method: clinical testing. Allele origin: germline.
Comment: For these reasons, this variant has been classified as Pathogenic. Loss-of-function variants in CDKL5 are known to be pathogenic (PMID: 22872100). This variant has not been reported in the literature in individuals with CDKL5-related disease. This variant is not present in population databases (ExAC no frequency). This sequence change creates a premature translational stop signal (p.Asp206Glufs*12) in the CDKL5 gene. It is expected to result in an absent or disrupted protein product.

Literature cited by the submitters: PubMed 22872100.

NM_001323289.2(CDKL5):c.614_617dup (p.Asp206fs)

Gene: CDKL5 (cyclin dependent kinase like 5; plus strand). Cytogenetic location: Xp22.13.
Variant type: Duplication.
Coding change: c.614_617dup on transcript NM_001323289.2 (MANE Select); coding-DNA positions 614 to 617, 4 bases duplicated (GCGA; older notation c.614_617dupGCGA).
Protein change: p.Asp206fs; shifts the reading frame from aspartic acid 206.
Molecular consequence: frameshift variant.
Genome position (GRCh38, 1-based): chrX:18,588,013-18,588,016, GCGA duplicated; duplicating any 4 consecutive bases within chrX:18,588,012-18,588,016 gives the same sequence; the c. name uses the placement nearest the transcript's 3' end. VCF-style (leftmost placement, unchanged base first): chrX-18588011-T-TAGCG. GRCh37 (hg19) VCF-style: chrX-18606131-T-TAGCG.
Other names: c.614_617dup, p.Asp206fs (NM_001037343.2, NM_003159.3); c.614_617dupGCGA (NM_003159.2); short protein forms D206fs.
Identifiers: ClinVar variation 533389 (VCV000533389.7), dbSNP rs1555950465, ClinGen allele CA658799602.